The following is an entry in ClinVar:

ClinVar aggregate classification (germline): Uncertain significance. Review status: criteria provided, multiple submitters, no conflicts (2 of 4 stars). 2 submissions from 2 submitters: Uncertain significance (2). Last evaluated 2025-05-06.

Conditions:
Familial sleep-related hypermotor epilepsy. Also called: Autosomal Dominant Sleep-Related Hypermotor (Hyperkinetic) Epilepsy. Identifiers: Orphanet 98784, MedGen C3696898, MONDO:0000030.
Inborn genetic diseases. Identifiers: MedGen C0950123, MeSH D030342.

gnomAD v4.1: 1 of 1,606,668 alleles (0.000062%); highest among the groups gnomAD compares: Admixed American, 0.0017%; no homozygotes.

Submissions (2):

Ambry Genetics
Classification: Uncertain significance for Inborn genetic diseases. Last evaluated: 2025-05-06. Review status: criteria provided, single submitter. Criteria: Ambry Variant Classification Scheme 2023. Collection method: clinical testing. Allele origin: germline.

Labcorp Genetics (formerly Invitae), Labcorp
Classification: Uncertain significance. Last evaluated: 2024-07-30. Review status: criteria provided, single submitter. Criteria: Invitae Variant Classification Sherloc (09022015). Collection method: clinical testing. Allele origin: germline.
Comment: This sequence change replaces histidine, which is basic and polar, with glutamine, which is neutral and polar, at codon 391 of the CHRNA2 protein (p.His391Gln). This variant is present in population databases (no rsID available, gnomAD 0.003%). This variant has not been reported in the literature in individuals affected with CHRNA2-related conditions. Advanced modeling of protein sequence and biophysical properties (such as structural, functional, and spatial information, amino acid conservation, physicochemical variation, residue mobility, and thermodynamic stability) performed at Invitae indicates that this missense variant is not expected to disrupt CHRNA2 protein function with a negative predictive value of 80%. In summary, the available evidence is currently insufficient to determine the role of this variant in disease. Therefore, it has been classified as a Variant of Uncertain Significance.

NM_000742.4(CHRNA2):c.1173C>G (p.His391Gln)

Gene: CHRNA2 (cholinergic receptor nicotinic alpha 2 subunit; minus strand). Cytogenetic location: 8p21.2.
Variant type: single nucleotide variant.
Coding change: c.1173C>G on transcript NM_000742.4 (MANE Select); coding-DNA position 1173, C replaced by G.
Protein change: p.His391Gln; replaces histidine 391 with glutamine.
Molecular consequence: missense variant.
Genome position (GRCh38, 1-based): chr8:27,463,270, G>C on the plus strand (C>G on the coding strand, the complement: CHRNA2 is on the minus strand). VCF-style: chr8-27463270-G-C. GRCh37 (hg19) VCF-style: chr8-27320787-G-C.
Other names: c.1128C>G, p.His376Gln (NM_001282455.2); c.696C>G, p.His232Gln (NM_001347705.2, NM_001347706.2); c.579C>G, p.His193Gln (NM_001347707.2, NM_001347708.2); c.1173C>G (NM_000742.3); short protein forms H193Q, H391Q, H232Q, H376Q.
Identifiers: ClinVar variation 3716457 (VCV003716457.3).